The following is an entry in ClinVar:

NM_000186.4(CFH):c.1137G>A (p.Trp379Ter)

Gene: CFH (complement factor H; plus strand). Cytogenetic location: 1q31.3.
Variant type: single nucleotide variant.
Coding change: c.1137G>A on transcript NM_000186.4 (MANE Select); coding-DNA position 1137, G replaced by A.
Protein change: p.Trp379Ter; replaces tryptophan 379 with a stop codon.
Molecular consequence: nonsense.
Genome position (GRCh38, 1-based): chr1:196,689,592, G>A. VCF-style: chr1-196689592-G-A. GRCh37 (hg19) VCF-style: chr1-196658722-G-A.
Other names: c.1137G>A, p.Trp379Ter (NM_001014975.3); short protein forms W379*.
Identifiers: ClinVar variation 4976846 (VCV004976846.1).

ClinVar aggregate classification (germline): Pathogenic (1 of 4 stars; one submission).

Conditions:
Atypical hemolytic-uremic syndrome. Identifiers: Orphanet 2134, MedGen C2931788, MONDO:0016244.

Submission:

Genomenon, Inc
Classification: Pathogenic for Atypical hemolytic-uremic syndrome. Last evaluated: 2026-09-17. Review status: criteria provided, single submitter. Criteria: Genomenon Sequence Variant Interpretation Standards - Updated. Collection method: curation. Allele origin: germline. Affected: yes.
Comment: CFH p.Trp379Ter (c.1137G>A) is a nonsense variant that introduces a premature stop codon at amino acid position 379 and is predicted to result in a truncated or absent protein product. This variant has been observed in at least one proband affected with atypical hemolytic-uremic syndrome (PMID: 39197070). It is absent or not present at a significant frequency in gnomAD. In conclusion, we classify CFH p.Trp379Ter (c.1137G>A) as a pathogenic variant.

Literature cited by the submitters: PubMed 39197070.